The following is an entry in ClinVar:

NM_002335.4(LRP5):c.1270G>A (p.Asp424Asn)

Gene: LRP5 (LDL receptor related protein 5; plus strand). Cytogenetic location: 11q13.2.
Variant type: single nucleotide variant.
Coding change: c.1270G>A on transcript NM_002335.4 (MANE Select); coding-DNA position 1270, G replaced by A.
Protein change: p.Asp424Asn; replaces aspartic acid 424 with asparagine.
Molecular consequence: missense variant. On other transcripts: 5 prime UTR variant (1).
Genome position (GRCh38, 1-based): chr11:68,386,570, G>A. VCF-style: chr11-68386570-G-A. GRCh37 (hg19) VCF-style: chr11-68154038-G-A.
Other names: c.-496G>A (NM_001291902.2); short protein forms D424N.
Identifiers: ClinVar variation 982560 (VCV000982560.11), dbSNP rs761131376, ClinGen allele CA6149289.

ClinVar aggregate classification (germline): Pathogenic/Likely pathogenic. Review status: criteria provided, multiple submitters, no conflicts (2 of 4 stars). 4 submissions from 4 submitters: Pathogenic (2); Likely pathogenic (2). Last evaluated 2025-11-17.

Conditions:
Retinal dystrophy. Also called: Inherited retinal dystrophy. Identifiers: Orphanet 71862, MedGen C0854723, MeSH D058499, MONDO:0019118, HP:0000556.
LRP5-related disorder. Also called: LRP5-related condition.
Exudative vitreoretinopathy 4 (EVR4). Identifiers: Orphanet 891, MedGen C1866176, MONDO:0011151, OMIM 601813.

Allele frequency attached by ClinVar (database versions not stated): ExAC 0.00001; gnomAD exomes 0.00001; TOPMed 0.00001.
gnomAD v4.1: 5 of 1,613,754 alleles (0.00031%); highest among the groups gnomAD compares: South Asian, 0.0011%; no homozygotes.

Submissions (4):

Labcorp Genetics (formerly Invitae), Labcorp
Classification: Pathogenic. Last evaluated: 2025-11-17. Review status: criteria provided, single submitter. Criteria: Invitae Variant Classification Sherloc (09022015). Collection method: clinical testing. Allele origin: germline.
Comment: This sequence change replaces aspartic acid, which is acidic and polar, with asparagine, which is neutral and polar, at codon 424 of the LRP5 protein (p.Asp424Asn). This variant is present in population databases (rs761131376, gnomAD 0.002%). This missense change has been observed in individuals with osteoporosis and exudative vitreoretinopathy (FEVR) (PMID: 25711638; internal data). ClinVar contains an entry for this variant (Variation ID: 982560). Invitae Evidence Modeling of protein sequence and biophysical properties (such as structural, functional, and spatial information, amino acid conservation, physicochemical variation, residue mobility, and thermodynamic stability) indicates that this missense variant is expected to disrupt LRP5 protein function with a positive predictive value of 95%. This variant disrupts the p.Asp424 amino acid residue in LRP5. Other variant(s) that disrupt this residue have been determined to be pathogenic (PMID: 30452590). This suggests that this residue is clinically significant, and that variants that disrupt this residue are likely to be disease-causing. For these reasons, this variant has been classified as Pathogenic.

Blueprint Genetics
Classification: Likely pathogenic for LRP5-related disorders. Last evaluated: 2022-03-03. Review status: criteria provided, single submitter. Criteria: ACMG Guidelines, 2015. Collection method: clinical testing. Allele origin: germline. Affected: yes. Observed: 2 variant alleles.

Equipe Genetique des Anomalies du Developpement, Université de Bourgogne
Classification: Pathogenic for Exudative vitreoretinopathy 4. Last evaluated: 2020-09-29. Review status: criteria provided, single submitter. Criteria: ACMG Guidelines, 2015. Collection method: clinical testing. Allele origin: unknown. Inheritance: Autosomal recessive inheritance. Affected: yes.
Comment: This variant was observed in compound heterozygosity with variant NM_002335.2:c.3077C>G

Institute of Human Genetics, Univ. Regensburg, Univ. Regensburg
Classification: Likely pathogenic for Retinal dystrophy. Last evaluated: 2016-01-01. Review status: criteria provided, single submitter. Criteria: ACMG Guidelines, 2015. Collection method: clinical testing. Allele origin: germline. Affected: yes.

Literature cited by the submitters: PubMed 25711638 (cited by Labcorp Genetics (formerly Invitae), Labcorp and Institute of Human Genetics, Univ. Regensburg, Univ. Regensburg); PubMed 30452590 (cited by Labcorp Genetics (formerly Invitae), Labcorp); PubMed 3196484 (cited by Institute of Human Genetics, Univ. Regensburg, Univ. Regensburg).